The following is an entry in ClinVar:

ClinVar aggregate classification (germline): Likely pathogenic (1 of 4 stars; one submission).

Conditions:
Osteogenesis imperfecta type 11. Also called: OI, TYPE XI; Osteogenesis imperfecta, type XI. Identifiers: Orphanet 666, MedGen C3151218, MONDO:0012592, OMIM 610968.

Submission:

Kasturba Medical College, Manipal, Kasturba Medical College, Manipal, Manipal Academy of Higher Education, Manipal, India
Classification: Likely pathogenic for Osteogenesis imperfecta type 11. Review status: criteria provided, single submitter. Criteria: ACMG Guidelines, 2015. Collection method: clinical testing. Allele origin: biparental. Inheritance: Autosomal recessive inheritance. Affected: yes. Observed: 1 homozygote.
Comment: A novel frameshift delins variant NC_000017.11(NM_021939.4):c.1479_1481delinsTCAG was observed in a homozygous state in Jeevan S L.

NM_021939.4(FKBP10):c.1479_1481delinsTCAG (p.Leu494fs)

Gene: FKBP10 (FKBP prolyl isomerase 10; plus strand). Cytogenetic location: 17q21.2.
Variant type: Indel.
Coding change: c.1479_1481delinsTCAG on transcript NM_021939.4 (MANE Select); coding-DNA positions 1479 to 1481, CCT replaced by TCAG.
Protein change: p.Leu494fs; shifts the reading frame from leucine 494.
Molecular consequence: frameshift variant.
Genome position (GRCh38, 1-based): chr17:41,821,733-41,821,735, CCT replaced by TCAG. VCF-style: chr17-41821733-CCT-TCAG. GRCh37 (hg19) VCF-style: chr17-39977985-CCT-TCAG.
Other names: short protein forms L494fs.
Identifiers: ClinVar variation 3544390 (VCV003544390.2).